The following is an entry in ClinVar:

NM_032043.3(BRIP1):c.3100C>A (p.Pro1034Thr)

Gene: BRIP1 (BRCA1 interacting DNA helicase 1; minus strand). Cytogenetic location: 17q23.2.
Variant type: single nucleotide variant.
Coding change: c.3100C>A on transcript NM_032043.3 (MANE Select); coding-DNA position 3100, C replaced by A.
Protein change: p.Pro1034Thr; replaces proline 1034 with threonine.
Molecular consequence: missense variant.
Genome position (GRCh38, 1-based): chr17:61,683,946, G>T on the plus strand (C>A on the coding strand, the complement: BRIP1 is on the minus strand). VCF-style: chr17-61683946-G-T. GRCh37 (hg19) VCF-style: chr17-59761307-G-T.
Other names: short protein forms P1034T.
Identifiers: ClinVar variation 461137 (VCV000461137.19), dbSNP rs765416041, ClinGen allele CA8690395.
Genomic context (GRCh38, chr17:61,683,946, plus strand): 5'-CACATTTATCAGTGAAGGGCAAAACAGTTTTACTTTCCATCTTCTCTGTTTTGAAACGGG[G>T]AGGACTAGAGGCACTATTCTCTGATGACCCGAGCTCAGGTGTTGCCTTCGGTATTTTACC-3'
Protein context (NP_114432.2, residues 1024-1044): GSSENSASSP[Pro1034Thr]RFKTEKMESK

ClinVar aggregate classification (germline): Uncertain significance. Review status: criteria provided, multiple submitters, no conflicts (2 of 4 stars). 4 submissions from 4 submitters: Uncertain significance (4). Last evaluated 2025-12-30.

Conditions:
Hereditary cancer-predisposing syndrome. Also called: Hereditary neoplastic syndrome; Neoplastic Syndromes, Hereditary; Tumor predisposition; Hereditary Cancer Syndrome. Identifiers: Orphanet 140162, MedGen C0027672, MeSH D009386, MONDO:0015356.
Fanconi anemia complementation group J. Also called: BRIP1-Related Fanconi Anemia. Identifiers: Orphanet 84, MedGen C1836860, MONDO:0012187, OMIM 609054.
Familial cancer of breast. Also called: BREAST CANCER, FAMILIAL; hereditary breast carcinoma; Hereditary breast cancer. Identifiers: Orphanet 227535, MedGen C0346153, MONDO:0016419, OMIM 114480. Disease mechanism: loss of function.

Allele frequency attached by ClinVar (database versions not stated): gnomAD exomes below 0.00001; ExAC 0.00001.
gnomAD v4.1: 1 of 1,614,164 alleles (0.000062%); highest among the groups gnomAD compares: Admixed American, 0.0017%; no homozygotes.

Submissions (4):

Labcorp Genetics (formerly Invitae), Labcorp
Classification: Uncertain significance for Familial cancer of breast; Fanconi anemia complementation group J. Last evaluated: 2025-12-30. Review status: criteria provided, single submitter. Criteria: Invitae Variant Classification Sherloc (09022015). Collection method: clinical testing. Allele origin: germline.
Comment: This sequence change replaces proline, which is neutral and non-polar, with threonine, which is neutral and polar, at codon 1034 of the BRIP1 protein (p.Pro1034Thr). This variant is present in population databases (rs765416041, gnomAD 0.003%). This variant has not been reported in the literature in individuals affected with BRIP1-related conditions. ClinVar contains an entry for this variant (Variation ID: 461137). Invitae Evidence Modeling of protein sequence and biophysical properties (such as structural, functional, and spatial information, amino acid conservation, physicochemical variation, residue mobility, and thermodynamic stability) indicates that this missense variant is not expected to disrupt BRIP1 protein function with a negative predictive value of 95%. In summary, the available evidence is currently insufficient to determine the role of this variant in disease. Therefore, it has been classified as a Variant of Uncertain Significance.

Color Diagnostics, LLC DBA Color Health
Classification: Uncertain significance for Hereditary cancer-predisposing syndrome. Last evaluated: 2024-12-16. Review status: criteria provided, single submitter. Criteria: ACMG Guidelines, 2015. Collection method: clinical testing. Allele origin: germline.
Comment: This missense variant replaces proline with threonine at codon 1034 of the BRIP1 protein. Computational prediction suggests that this variant may not impact protein structure and function (internally defined REVEL score threshold <= 0.5, PMID: 27666373). To our knowledge, functional studies have not been reported for this variant. This variant has not been reported in individuals affected with BRIP1-related disorders in the literature. This variant has been identified in 1/251456 chromosomes in the general population by the Genome Aggregation Database (gnomAD). The available evidence is insufficient to determine the role of this variant in disease conclusively. Therefore, this variant is classified as a Variant of Uncertain Significance.

Ambry Genetics
Classification: Uncertain significance for Hereditary cancer-predisposing syndrome. Last evaluated: 2024-06-17. Review status: criteria provided, single submitter. Criteria: Ambry Variant Classification Scheme 2023. Collection method: clinical testing. Allele origin: germline.
Comment: The p.P1034T variant (also known as c.3100C>A), located in coding exon 19 of the BRIP1 gene, results from a C to A substitution at nucleotide position 3100. The proline at codon 1034 is replaced by threonine, an amino acid with highly similar properties. This amino acid position is poorly conserved in available vertebrate species. In addition, this alteration is predicted to be tolerated by in silico analysis. Since supporting evidence is limited at this time, the clinical significance of this alteration remains unclear.

GeneDx
Classification: Uncertain significance. Last evaluated: 2020-12-09. Review status: criteria provided, single submitter. Criteria: GeneDx Variant Classification Process June 2021. Collection method: clinical testing. Allele origin: germline. Affected: yes.
Comment: Has not been previously published as pathogenic or benign to our knowledge; Not observed at a significant frequency in large population cohorts (Lek 2016); In silico analysis supports that this missense variant does not alter protein structure/function